The following is an entry in ClinVar:

ClinVar aggregate classification (germline): Uncertain significance (1 of 4 stars; one submission).

Conditions:
Oligodontia-cancer predisposition syndrome. Also called: TOOTH AGENESIS-COLORECTAL CANCER SYNDROME. Identifiers: Orphanet 300576, MedGen C1837750, MONDO:0012075, OMIM 608615. Disease mechanism: loss of function.

Submission:

Labcorp Genetics (formerly Invitae), Labcorp
Classification: Uncertain significance for Oligodontia-cancer predisposition syndrome. Last evaluated: 2023-08-17. Review status: criteria provided, single submitter. Criteria: Invitae Variant Classification Sherloc (09022015). Collection method: clinical testing. Allele origin: germline.
Comment: This sequence change replaces serine, which is neutral and polar, with cysteine, which is neutral and slightly polar, at codon 252 of the AXIN2 protein (p.Ser252Cys). This variant is not present in population databases (gnomAD no frequency). This variant has not been reported in the literature in individuals affected with AXIN2-related conditions. ClinVar contains an entry for this variant (Variation ID: 861463). Advanced modeling of protein sequence and biophysical properties (such as structural, functional, and spatial information, amino acid conservation, physicochemical variation, residue mobility, and thermodynamic stability) performed at Invitae indicates that this missense variant is not expected to disrupt AXIN2 protein function. In summary, the available evidence is currently insufficient to determine the role of this variant in disease. Therefore, it has been classified as a Variant of Uncertain Significance.

NM_004655.4(AXIN2):c.754A>T (p.Ser252Cys)

Gene: AXIN2 (axin 2; minus strand). Cytogenetic location: 17q24.1.
Variant type: single nucleotide variant.
Coding change: c.754A>T on transcript NM_004655.4 (MANE Select); coding-DNA position 754, A replaced by T.
Protein change: p.Ser252Cys; replaces serine 252 with cysteine.
Molecular consequence: missense variant.
Genome position (GRCh38, 1-based): chr17:65,557,867, T>A on the plus strand (A>T on the coding strand, the complement: AXIN2 is on the minus strand). VCF-style: chr17-65557867-T-A. GRCh37 (hg19) VCF-style: chr17-63553985-T-A.
Other names: c.754A>T, p.Ser252Cys (NM_001363813.1); short protein forms S252C.
Identifiers: ClinVar variation 861463 (VCV000861463.9), dbSNP rs2044293390, ClinGen allele CA400680345.